The following is an entry in ClinVar:

ClinVar aggregate classification (germline): Conflicting classifications of pathogenicity. Review status: criteria provided, conflicting classifications (1 of 4 stars). 3 submissions from 3 submitters: Likely pathogenic (1); Uncertain significance (2). Last evaluated 2026-02-16.

Conditions:
Inborn genetic diseases. Identifiers: MedGen C0950123, MeSH D030342.
Aldosterone-producing adenoma with seizures and neurological abnormalities. Also called: Primary aldosteronism, seizures, and neurologic abnormalities. Identifiers: Orphanet 369929, MedGen C3809609, MONDO:0014200, OMIM 615474.

gnomAD v4.1: 10 of 1,614,084 alleles (0.00062%); highest among the groups gnomAD compares: South Asian, 0.0011%; no homozygotes.

Submissions (3):

Ambry Genetics
Classification: Uncertain significance for Inborn genetic diseases. Last evaluated: 2026-02-16. Review status: criteria provided, single submitter. Criteria: Ambry Variant Classification Scheme 2023. Collection method: clinical testing. Allele origin: germline.
Comment: The c.2804G>A (p.R935Q) alteration is located in exon 21 (coding exon 21) of the CACNA1D gene. This alteration results from a G to A substitution at nucleotide position 2804, causing the arginine (R) at amino acid position 935 to be replaced by a glutamine (Q). This variant was not reported in population-based cohorts in the Genome Aggregation Database (gnomAD). This amino acid position is highly conserved in available vertebrate species. This alteration is predicted to be deleterious by in silico analysis. Based on insufficient or conflicting evidence, the clinical significance of this alteration remains unclear.

Labcorp Genetics (formerly Invitae), Labcorp
Classification: Uncertain significance. Last evaluated: 2025-02-18. Review status: criteria provided, single submitter. Criteria: Invitae Variant Classification Sherloc (09022015). Collection method: clinical testing. Allele origin: germline.
Comment: This sequence change replaces arginine, which is basic and polar, with glutamine, which is neutral and polar, at codon 935 of the CACNA1D protein (p.Arg935Gln). This variant is not present in population databases (gnomAD no frequency). This variant has not been reported in the literature in individuals affected with CACNA1D-related conditions. ClinVar contains an entry for this variant (Variation ID: 1959088). Invitae Evidence Modeling of protein sequence and biophysical properties (such as structural, functional, and spatial information, amino acid conservation, physicochemical variation, residue mobility, and thermodynamic stability) indicates that this missense variant is not expected to disrupt CACNA1D protein function with a negative predictive value of 80%. In summary, the available evidence is currently insufficient to determine the role of this variant in disease. Therefore, it has been classified as a Variant of Uncertain Significance.

Human Genetics Bochum, Ruhr University Bochum
Classification: Likely pathogenic for Aldosterone-producing adenoma with seizures and neurological abnormalities. Last evaluated: 2024-12-19. Review status: criteria provided, single submitter. Criteria: ACMG Guidelines, 2015. Collection method: clinical testing. Allele origin: germline. Affected: yes.
Comment: ACMG criteria used to clasify this variant: PP3_STR, PM2_SUP, PP2

NM_001128840.3(CACNA1D):c.2744G>A (p.Arg915Gln)

Gene: CACNA1D (calcium voltage-gated channel subunit alpha1 D; plus strand). Cytogenetic location: 3p21.1.
Variant type: single nucleotide variant.
Coding change: c.2744G>A on transcript NM_001128840.3 (MANE Select); coding-DNA position 2744, G replaced by A.
Protein change: p.Arg915Gln; replaces arginine 915 with glutamine.
Molecular consequence: missense variant.
Genome position (GRCh38, 1-based): chr3:53,735,496, G>A. VCF-style: chr3-53735496-G-A. GRCh37 (hg19) VCF-style: chr3-53769523-G-A.
Other names: c.2804G>A (NM_000720.2); c.2804G>A, p.Arg935Gln (NM_000720.4); c.2744G>A, p.Arg915Gln (NM_001128839.3); short protein forms R935Q, R915Q.
Identifiers: ClinVar variation 1959088 (VCV001959088.7), dbSNP rs2473830105, ClinGen allele CA353242902.